The following is an entry in ClinVar:

NM_024867.4(SPEF2):c.1498G>A (p.Asp500Asn)

Gene: SPEF2 (sperm flagellar 2; plus strand). Cytogenetic location: 5p13.2.
Variant type: single nucleotide variant.
Coding change: c.1498G>A on transcript NM_024867.4 (MANE Select); coding-DNA position 1498, G replaced by A.
Protein change: p.Asp500Asn; replaces aspartic acid 500 with asparagine.
Molecular consequence: missense variant.
Genome position (GRCh38, 1-based): chr5:35,670,201, G>A. VCF-style: chr5-35670201-G-A. GRCh37 (hg19) VCF-style: chr5-35670303-G-A.
Other names: c.1498G>A, p.Asp500Asn (NM_144722.4); short protein forms D500N.
Identifiers: ClinVar variation 403474 (VCV000403474.6), dbSNP rs34708521, ClinGen allele CA3230495.
Genomic context (GRCh38, chr5:35,670,201, plus strand): 5'-ACACTACCTGCTAACCCCTCAAGAGAACAACTTACAGAACTGGAGAAAAGGGACTTGCTA[G>A]ATACCAATGATTATGAAGAATATAAGGTACCTACTGATATGAAATAATTAGAATGCTACA-3'
Protein context (NP_079143.3, residues 490-510): LTELEKRDLL[Asp500Asn]TNDYEEYKNM

ClinVar aggregate classification (germline): Benign. Review status: criteria provided, multiple submitters, no conflicts (2 of 4 stars). 3 submissions from 3 submitters: Benign (3). Last evaluated 2021-05-05.

Allele frequency attached by ClinVar (database versions not stated): ESP Exome Variant Server 0.06858; gnomAD 0.08098 and 0.08522; TOPMed 0.09244; ExAC 0.09682; 1000 Genomes Project 30x 0.15600; 1000 Genomes Project 0.16214.
gnomAD v4.1: 121,127 of 1,609,122 alleles (7.5%); highest among the groups gnomAD compares: East Asian, 33%; 6,772 homozygotes.

Submissions (3):

GeneDx
Classification: Benign. Last evaluated: 2021-05-05. Review status: criteria provided, single submitter. Criteria: GeneDx Variant Classification Process June 2021. Collection method: clinical testing. Allele origin: germline. Affected: yes.

Laboratory for Molecular Medicine, Mass General Brigham Personalized Medicine
Classification: Benign. Last evaluated: 2016-03-29. Review status: criteria provided, single submitter. Criteria: LMM Criteria. Collection method: clinical testing. Allele origin: germline.
Comment: Variant identified in a genome or exome case(s) and assessed due to predicted null impact of the variant or pathogenic assertions in the literature or databases. Disclaimer: This variant has not undergone full assessment. The following are preliminary notes: Frequency

Breakthrough Genomics
Classification: Benign. Review status: criteria provided, single submitter. Criteria: ACMG Guidelines, 2015. Collection method: not provided. Allele origin: germline. Inheritance: Autosomal recessive inheritance. Affected: yes.